The following is an entry in ClinVar:

ClinVar aggregate classification (germline): Benign. Review status: criteria provided, multiple submitters, no conflicts (2 of 4 stars). 2 submissions from 2 submitters: Benign (2). Last evaluated 2021-02-23.

Allele frequency attached by ClinVar (database versions not stated): gnomAD exomes 0.16534; 1000 Genomes Project 0.17272; 1000 Genomes Project 30x 0.17723; TOPMed 0.22188; gnomAD 0.22622 and 0.23446; ExAC 0.35999.
gnomAD v4.1: 291,879 of 1,507,020 alleles (19%); highest among the groups gnomAD compares: African/African-American, 35%; 30,499 homozygotes.

Submissions (2):

GeneDx
Classification: Benign. Last evaluated: 2021-02-23. Review status: criteria provided, single submitter. Criteria: GeneDx Variant Classification Process June 2021. Collection method: clinical testing. Allele origin: germline. Affected: yes.
Comment: This variant is associated with the following publications: (PMID: 26472073)

Breakthrough Genomics
Classification: Benign. Review status: criteria provided, single submitter. Criteria: ACMG Guidelines, 2015. Collection method: not provided. Allele origin: germline. Inheritance: Unknown mechanism. Affected: yes.

NM_014173.4(BABAM1):c.-13-45C>T

Gene: BABAM1 (BRISC and BRCA1 A complex member 1; plus strand). Cytogenetic location: 19p13.11.
Variant type: single nucleotide variant.
Coding change: c.-13-45C>T on transcript NM_014173.4 (MANE Select); 45 bases into the intron before 13 bases upstream of the start codon, C replaced by T.
Molecular consequence: intron variant.
Genome position (GRCh38, 1-based): chr19:17,268,749, C>T. VCF-style: chr19-17268749-C-T. GRCh37 (hg19) VCF-style: chr19-17379558-C-T.
Other names: c.-51-7C>T (NM_001033549.3, NM_001288757.2); c.-13-45C>T (NM_001288756.2).
Identifiers: ClinVar variation 1227766 (VCV001227766.4), dbSNP rs10424178, ClinGen allele CA9290594.